The following is an entry in ClinVar:

ClinVar aggregate classification (germline): Likely benign (1 of 4 stars; one submission).

Allele frequency attached by ClinVar (database versions not stated): gnomAD exomes below 0.00001; ExAC 0.00001; gnomAD 0.00001; 1000 Genomes Project 0.00020; 1000 Genomes Project 30x 0.00031.

Submission:

Laboratory for Molecular Medicine, Mass General Brigham Personalized Medicine
Classification: Likely benign. Last evaluated: 2017-08-23. Review status: criteria provided, single submitter. Criteria: LMM Criteria. Collection method: clinical testing. Allele origin: germline. Observed: 1 variant allele.
Comment: p.Pro344Pro in exon 2 of S1PR2: This variant is not expected to have clinical significance because it does not alter an amino acid residue and is not located within the splice consensus sequence. It has been identified in 1/8408 East Asian chromosomes by the Exome Aggregation Consortium (ExAC; dbSNP rs561751764).

NM_004230.4(S1PR2):c.1032C>T (p.Pro344=)

Gene: S1PR2 (sphingosine-1-phosphate receptor 2; minus strand). Cytogenetic location: 19p13.2.
Variant type: single nucleotide variant.
Coding change: c.1032C>T on transcript NM_004230.4 (MANE Select); coding-DNA position 1032, C replaced by T.
Protein change: p.Pro344=; no amino-acid change (proline 344 retained).
Molecular consequence: synonymous variant.
Genome position (GRCh38, 1-based): chr19:10,223,874, G>A on the plus strand (C>T on the coding strand, the complement: S1PR2 is on the minus strand). VCF-style: chr19-10223874-G-A. GRCh37 (hg19) VCF-style: chr19-10334550-G-A.
Identifiers: ClinVar variation 929888 (VCV000929888.4), dbSNP rs561751764, ClinGen allele CA9188947.
Genomic context (GRCh38, chr19:10,223,874, plus strand): 5'-CCTGGCCTGGTTGTTGGTCCACCCCCACCCTCAGACCACCGTGTTGCCCTCCAGAAACGT[G>A]GGTGACGTGGGCATGTGCATGCCCCTCTCCAGGGAGCTGGAGCTGCGGAGTGGCAGGAGG-3'
Protein context (NP_004221.3, residues 334-353): LERGMHMPTS[Pro344=]TFLEGNTVV